The following is an entry in ClinVar:

ClinVar aggregate classification (germline): Pathogenic (1 of 4 stars; one submission).

Conditions:
Developmental and epileptic encephalopathy. Identifiers: MedGen C5779964, MONDO:0100620.

Submission:

Labcorp Genetics (formerly Invitae), Labcorp
Classification: Pathogenic for Early-infantile DEE. Last evaluated: 2022-07-06. Review status: criteria provided, single submitter. Criteria: Invitae Variant Classification Sherloc (09022015). Collection method: clinical testing. Allele origin: germline.
Comment: This variant is a gross deletion of the genomic region encompassing exon(s) 2-17 of the KCNQ2 gene, which includes the termination codon. This deletion extends beyond the assayed region for this gene and therefore may encompass additional genes. While this deletion is not anticipated to lead to nonsense mediated decay, it is expected to alter mRNA translation or result in a truncated protein product. This variant has not been reported in the literature in individuals affected with KCNQ2-related conditions. This variant disrupts a region of the KCNQ2 protein in which other variant(s) (exon 17 deletion) have been determined to be pathogenic (Invitae). This suggests that this is a clinically significant region of the protein, and that variants that disrupt it are likely to be disease-causing. For these reasons, this variant has been classified as Pathogenic.

NC_000020.10:g.(?_61471874)_(62078210_?)del

Genes: ARFGAP1 (ARF GTPase activating protein 1; plus strand), BHLHE23 (basic helix-loop-helix family member e23; minus strand), BIRC7 (baculoviral IAP repeat containing 7; plus strand), CHRNA4 (cholinergic receptor nicotinic alpha 4 subunit; minus strand), COL20A1 (collagen type XX alpha 1 chain; plus strand) and 10 more. Cytogenetic location: 20q13.33.
Variant type: Deletion.
Identifiers: ClinVar variation 2427488 (VCV002427488.3).